The following is an entry in ClinVar:

ClinVar aggregate classification (germline): Benign (1 of 4 stars; one submission).

Allele frequency attached by ClinVar (database versions not stated): gnomAD exomes 0.83329; gnomAD 0.83362; TOPMed 0.83612; 1000 Genomes Project 30x 0.88086; 1000 Genomes Project 0.88319.
gnomAD v4.1: 596,810 of 715,932 alleles (83%); highest among the groups gnomAD compares: East Asian, 98%; 250,152 homozygotes.

Submission:

Unidad de Genómica Garrahan, Hospital de Pediatría Garrahan
Classification: Benign. Last evaluated: 2024-01-24. Review status: criteria provided, single submitter. Criteria: ACMG Guidelines, 2015. Collection method: clinical testing. Allele origin: germline. Affected: no. Observed: 42 variant alleles.
Comment: This variant is classified as Benign based on local population frequency. This variant was detected in 44% of patients studied by a panel of primary immunodeficiencies. Number of patients: 42. Only high quality variants are reported.

NM_032782.5(HAVCR2):c.395-105T>C

Gene: HAVCR2 (hepatitis A virus cellular receptor 2; minus strand). Cytogenetic location: 5q33.3.
Variant type: single nucleotide variant.
Coding change: c.395-105T>C on transcript NM_032782.5 (MANE Select); 105 bases into the intron before coding-DNA position 395, T replaced by C.
Molecular consequence: intron variant.
Genome position (GRCh38, 1-based): chr5:157,104,854, A>G on the plus strand (T>C on the coding strand, the complement: HAVCR2 is on the minus strand). VCF-style: chr5-157104854-A-G. GRCh37 (hg19) VCF-style: chr5-156531865-A-G.
Identifiers: ClinVar variation 2688155 (VCV002688155.2), dbSNP rs1036200, ClinGen allele CA11986185.